The following is an entry in ClinVar:

ClinVar aggregate classification (germline): Uncertain significance (1 of 4 stars; one submission).

Conditions:
CTU2-related disorder. Also called: CTU2-related condition.

Submission:

PreventionGenetics, part of Exact Sciences
Classification: Uncertain significance for CTU2-related condition. Last evaluated: 2025-12-03. Review status: criteria provided, single submitter. Criteria: ACMG Guidelines, 2015. Collection method: clinical testing. Allele origin: germline.
Comment: The CTU2 c.499C>G variant is predicted to result in the amino acid substitution p.Leu167Val. To our knowledge, this variant has not been reported in the literature. This variant is reported in 0.020% of alleles in individuals of South Asian descent in gnomAD. At this time, the clinical significance of this variant is uncertain due to the absence of conclusive functional and genetic evidence.

NM_001012759.3(CTU2):c.499C>G (p.Leu167Val)

Gene: CTU2 (cytosolic thiouridylase subunit 2; plus strand). Cytogenetic location: 16q24.3.
Variant type: single nucleotide variant.
Coding change: c.499C>G on transcript NM_001012759.3 (MANE Select); coding-DNA position 499, C replaced by G.
Protein change: p.Leu167Val; replaces leucine 167 with valine.
Molecular consequence: missense variant.
Genome position (GRCh38, 1-based): chr16:88,712,667, C>G. VCF-style: chr16-88712667-C-G. GRCh37 (hg19) VCF-style: chr16-88779075-C-G.
Other names: c.499C>G, p.Leu167Val (NM_001012762.3); c.712C>G, p.Leu238Val (NM_001318507.2); c.238C>G, p.Leu80Val (NM_001318513.2); short protein forms L80V, L238V, L167V.
Identifiers: ClinVar variation 4986833 (VCV004986833.1).